The following is an entry in ClinVar:

NM_022437.3(ABCG8):c.1719del (p.Gly575fs)

Gene: ABCG8 (ATP binding cassette subfamily G member 8; plus strand). Cytogenetic location: 2p21.
Variant type: Deletion.
Coding change: c.1719del on transcript NM_022437.3 (MANE Select); coding-DNA position 1719, one base deleted (C; older notation c.1719delC).
Protein change: p.Gly575fs; shifts the reading frame from glycine 575.
Molecular consequence: frameshift variant.
Genome position (GRCh38, 1-based): chr2:43,875,376, C deleted; the last of 2 consecutive C bases (chr2:43,875,375-43,875,376); deleting either gives the same sequence. VCF-style (leftmost placement, unchanged base first): chr2-43875374-GC-G. GRCh37 (hg19) VCF-style: chr2-44102513-GC-G.
Other names: c.1716del, p.Gly574fs (NM_001357321.2); short protein forms G574fs, G575fs.
Identifiers: ClinVar variation 4713119 (VCV004713119.1).
Genomic context (GRCh38, chr2:43,875,374, plus strand): 5'-CTCCCCACCTTCCACATGGCCTCCTTCTTCAGCAATGCCCTCTACAACTCCTTCTACCTC[GC>G]CGGGGGCTTCATGATAAACTTGAGCAGCCTGTGGACAGGTAAGGCCTGCCCCCGGGGCCT-3'

ClinVar aggregate classification (germline): Pathogenic (1 of 4 stars; one submission).

Submission:

Labcorp Genetics (formerly Invitae), Labcorp
Classification: Pathogenic. Last evaluated: 2025-02-15. Review status: criteria provided, single submitter. Criteria: Invitae Variant Classification Sherloc (09022015). Collection method: clinical testing. Allele origin: germline.
Comment: This sequence change creates a premature translational stop signal (p.Gly575Alafs*3) in the ABCG8 gene. It is expected to result in an absent or disrupted protein product. Loss-of-function variants in ABCG8 are known to be pathogenic (PMID: 11452359, 15375183, 16029460). This variant is not present in population databases (gnomAD no frequency). This variant has not been reported in the literature in individuals affected with ABCG8-related conditions. For these reasons, this variant has been classified as Pathogenic.

Literature cited by the submitters: PubMed 11452359; PubMed 15375183; PubMed 16029460.